The following is an entry in ClinVar:

NM_203447.4(DOCK8):c.4093G>A (p.Glu1365Lys)

Gene: DOCK8 (dedicator of cytokinesis 8; plus strand). Cytogenetic location: 9p24.3.
Variant type: single nucleotide variant.
Coding change: c.4093G>A on transcript NM_203447.4 (MANE Select); coding-DNA position 4093, G replaced by A.
Protein change: p.Glu1365Lys; replaces glutamic acid 1365 with lysine.
Molecular consequence: missense variant.
Genome position (GRCh38, 1-based): chr9:421,018, G>A. VCF-style: chr9-421018-G-A. GRCh37 (hg19) VCF-style: chr9-421018-G-A.
Other names: c.3793G>A, p.Glu1265Lys (NM_001190458.2); c.3889G>A, p.Glu1297Lys (NM_001193536.2); short protein forms E1365K, E1265K, E1297K.
Identifiers: ClinVar variation 536596 (VCV000536596.9), dbSNP rs1554701455, ClinGen allele CA372764415.

ClinVar aggregate classification (germline): Uncertain significance (1 of 4 stars; one submission).

Conditions:
Combined immunodeficiency due to DOCK8 deficiency (HIES2). Also called: HIES autosomal recessive; HYPER-IgE RECURRENT INFECTION SYNDROME 2, AUTOSOMAL RECESSIVE; Hyper-IgE recurrent infection syndrome, autosomal recessive; HYPER-IgE SYNDROME 2, AUTOSOMAL RECESSIVE, WITH RECURRENT INFECTIONS; DOCK8 Deficiency. Identifiers: Orphanet 217390, MedGen C4722305, MONDO:0009478, OMIM 243700.

Submission:

Labcorp Genetics (formerly Invitae), Labcorp
Classification: Uncertain significance for Combined immunodeficiency due to DOCK8 deficiency. Last evaluated: 2017-09-03. Review status: criteria provided, single submitter. Criteria: Invitae Variant Classification Sherloc (09022015). Collection method: clinical testing. Allele origin: germline.
Comment: In summary, the available evidence is currently insufficient to determine the role of this variant in disease. Therefore, it has been classified as a Variant of Uncertain Significance. Algorithms developed to predict the effect of missense changes on protein structure and function do not agree on the potential impact of this missense change (SIFT: "Deleterious"; PolyPhen-2: "Possibly Damaging"; Align-GVGD: "Class C15"). This variant has not been reported in the literature in individuals with DOCK8-related disease. This variant is not present in population databases (ExAC no frequency). This sequence change replaces glutamic acid with lysine at codon 1365 of the DOCK8 protein (p.Glu1365Lys). The glutamic acid residue is highly conserved and there is a small physicochemical difference between glutamic acid and lysine.